The following is an entry in ClinVar:

NM_001844.5(COL2A1):c.2434G>T (p.Ala812Ser)

Gene: COL2A1 (collagen type II alpha 1 chain; minus strand). Cytogenetic location: 12q13.11.
Variant type: single nucleotide variant.
Coding change: c.2434G>T on transcript NM_001844.5 (MANE Select); coding-DNA position 2434, G replaced by T.
Protein change: p.Ala812Ser; replaces alanine 812 with serine.
Molecular consequence: missense variant.
Genome position (GRCh38, 1-based): chr12:47,981,372, C>A on the plus strand (G>T on the coding strand, the complement: COL2A1 is on the minus strand). VCF-style: chr12-47981372-C-A. GRCh37 (hg19) VCF-style: chr12-48375155-C-A.
Other names: c.2227G>T, p.Ala743Ser (NM_033150.3); short protein forms A743S, A812S.
Identifiers: ClinVar variation 2822655 (VCV002822655.3), dbSNP rs2540127255, ClinGen allele CA384545234.

ClinVar aggregate classification (germline): Uncertain significance (1 of 4 stars; one submission).

Allele frequency attached by ClinVar (database versions not stated): gnomAD exomes below 0.00001.
gnomAD v4.1: 1 of 1,612,680 alleles (0.000062%); highest among the groups gnomAD compares: Non-Finnish European, 0.000085%; no homozygotes.

Submission:

Labcorp Genetics (formerly Invitae), Labcorp
Classification: Uncertain significance. Last evaluated: 2023-10-13. Review status: criteria provided, single submitter. Criteria: Invitae Variant Classification Sherloc (09022015). Collection method: clinical testing. Allele origin: germline.
Comment: This sequence change replaces alanine, which is neutral and non-polar, with serine, which is neutral and polar, at codon 812 of the COL2A1 protein (p.Ala812Ser). This variant is not present in population databases (gnomAD no frequency). This variant has not been reported in the literature in individuals affected with COL2A1-related conditions. Advanced modeling of protein sequence and biophysical properties (such as structural, functional, and spatial information, amino acid conservation, physicochemical variation, residue mobility, and thermodynamic stability) performed at Invitae indicates that this missense variant is not expected to disrupt COL2A1 protein function. In summary, the available evidence is currently insufficient to determine the role of this variant in disease. Therefore, it has been classified as a Variant of Uncertain Significance.